The following is an entry in ClinVar:

NM_001009944.3(PKD1):c.3349C>T (p.Gln1117Ter)

Gene: PKD1 (polycystin 1, transient receptor potential channel interacting; minus strand). Cytogenetic location: 16p13.3.
Variant type: single nucleotide variant.
Coding change: c.3349C>T on transcript NM_001009944.3 (MANE Select); coding-DNA position 3349, C replaced by T.
Protein change: p.Gln1117Ter; replaces glutamine 1117 with a stop codon.
Molecular consequence: nonsense.
Genome position (GRCh38, 1-based): chr16:2,111,818, G>A on the plus strand (C>T on the coding strand, the complement: PKD1 is on the minus strand). VCF-style: chr16-2111818-G-A. GRCh37 (hg19) VCF-style: chr16-2161819-G-A.
Other names: c.3349C>T, p.Gln1117Ter (NM_000296.4); c.3349C>T (NM_001009944.2); short protein forms Q1117*.
Identifiers: ClinVar variation 873333 (VCV000873333.6), dbSNP rs755084885, ClinGen allele CA394383258.

ClinVar aggregate classification (germline): Pathogenic. Review status: criteria provided, multiple submitters, no conflicts (2 of 4 stars). 5 submissions from 5 submitters: Pathogenic (5). Last evaluated 2026-04-07.

Conditions:
Polycystic kidney disease, adult type (PKD1). Also called: POLYCYSTIC KIDNEY DISEASE, ADULT, TYPE I; Polycystic Kidney Disease 1, Autosomal Dominant; Polycystic kidney disease 1; Polycystic kidney disease 1, severe; POLYCYSTIC KIDNEY DISEASE 1 WITH OR WITHOUT POLYCYSTIC LIVER DISEASE; Polycystic Kidney, Autosomal Dominant. Identifiers: MedGen C3149841, MONDO:0008263, OMIM 173900.

Submissions (5):

GeneDx
Classification: Pathogenic. Last evaluated: 2026-04-07. Review status: criteria provided, single submitter. Criteria: GeneDx Variant Classification Process June 2021. Collection method: clinical testing. Allele origin: germline.
Comment: Nonsense variant predicted to result in protein truncation or nonsense mediated decay in a gene for which loss of function is a known mechanism of disease; Not observed at significant frequency in large population cohorts (gnomAD); This variant is associated with the following publications: (PMID: 25525159, 34420199, 22383692, 37372416, 15772804, 33454723, 37509056)

Fulgent Genetics
Classification: Pathogenic for Polycystic kidney disease, adult type. Last evaluated: 2021-10-15. Review status: criteria provided, single submitter. Criteria: ACMG Guidelines, 2015. Collection method: clinical testing. Allele origin: unknown.

Cavalleri Lab, Royal College of Surgeons in Ireland
Classification: Pathogenic for Polycystic kidney disease, adult type. Last evaluated: 2020-02-05. Review status: criteria provided, single submitter. Criteria: ACMG Guidelines, 2015. Collection method: research. Allele origin: unknown. Inheritance: Autosomal dominant inheritance. Affected: yes.
Comment: PVS1, PM2, PP4, PP5

Athena Diagnostics
Classification: Pathogenic. Last evaluated: 2019-09-20. Review status: criteria provided, single submitter. Criteria: Athena Diagnostics Criteria. Collection method: clinical testing. Allele origin: unknown.
Comment: The variant creates a premature nonsense codon, and is therefore predicted to result in the loss of a functional protein. Found in at least one patient with expected phenotype for this gene, and not found in general population data.

Juno Genomics, Hangzhou Juno Genomics, Inc
Classification: Pathogenic for Polycystic kidney disease, adult type. Review status: criteria provided, single submitter. Criteria: ACMG Guidelines, 2015. Collection method: clinical testing. Allele origin: germline. Affected: yes.
Comment: Absent from controls (or at extremely low frequency if recessive) in Genome Aggregation Database, Exome Sequencing Project, 1000 Genomes Project, or Exome Aggregation Consortium.;Null variant in a gene where loss of function (LOF) is a known mechanism of disease.;Patient's phenotype or family history is highly specific for a disease with a single genetic etiology.;The prevalence of the variant in affected individuals is significantly increased compared to the prevalence in controls.

Literature cited by the submitters: PubMed 15772804 (cited by Athena Diagnostics); PubMed 22383692 (cited by Athena Diagnostics); PubMed 25525159 (cited by Athena Diagnostics).